The following is an entry in ClinVar:

NM_015041.3(CLUAP1):c.481G>A (p.Glu161Lys)

Gene: CLUAP1 (clusterin associated protein 1; plus strand). Cytogenetic location: 16p13.3.
Variant type: single nucleotide variant.
Coding change: c.481G>A on transcript NM_015041.3 (MANE Select); coding-DNA position 481, G replaced by A.
Protein change: p.Glu161Lys; replaces glutamic acid 161 with lysine.
Molecular consequence: missense variant. On other transcripts: intron variant (1).
Genome position (GRCh38, 1-based): chr16:3,512,464, G>A. VCF-style: chr16-3512464-G-A. GRCh37 (hg19) VCF-style: chr16-3562464-G-A.
Other names: c.481G>A, p.Glu161Lys (NM_001330454.2); c.-4+2495G>A (NM_024793.3); short protein forms E161K.
Identifiers: ClinVar variation 1351874 (VCV001351874.8), dbSNP rs751498093, ClinGen allele CA7863740.

ClinVar aggregate classification (germline): Uncertain significance (1 of 4 stars; one submission).

Allele frequency attached by ClinVar (database versions not stated): gnomAD exomes 0.00001 and 0.00002; ExAC 0.00002.
gnomAD v4.1: 4 of 1,613,644 alleles (0.00025%); highest among the groups gnomAD compares: Admixed American, 0.0067%; no homozygotes.

Submission:

Labcorp Genetics (formerly Invitae), Labcorp
Classification: Uncertain significance. Last evaluated: 2022-05-25. Review status: criteria provided, single submitter. Criteria: Invitae Variant Classification Sherloc (09022015). Collection method: clinical testing. Allele origin: germline.
Comment: Algorithms developed to predict the effect of missense changes on protein structure and function are either unavailable or do not agree on the potential impact of this missense change (SIFT: "Deleterious"; PolyPhen-2: "Probably Damaging"; Align-GVGD: "Class C0"). In summary, the available evidence is currently insufficient to determine the role of this variant in disease. Therefore, it has been classified as a Variant of Uncertain Significance. This variant has not been reported in the literature in individuals affected with CLUAP1-related conditions. This variant is present in population databases (rs751498093, gnomAD 0.01%). This sequence change replaces glutamic acid, which is acidic and polar, with lysine, which is basic and polar, at codon 161 of the CLUAP1 protein (p.Glu161Lys).